The following is an entry in ClinVar:

ClinVar aggregate classification (germline): Uncertain significance (1 of 4 stars; one submission).

Conditions:
Ichthyosis linearis circumflexa. Identifiers: MedGen C0265962, MONDO:0043106, HP:0025810.

gnomAD v4.1: 1 of 1,613,472 alleles (0.000062%); no homozygotes.

Submission:

Labcorp Genetics (formerly Invitae), Labcorp
Classification: Uncertain significance for Ichthyosis linearis circumflexa. Last evaluated: 2023-07-03. Review status: criteria provided, single submitter. Criteria: Invitae Variant Classification Sherloc (09022015). Collection method: clinical testing. Allele origin: germline.
Comment: This variant has not been reported in the literature in individuals affected with SPINK5-related conditions. In summary, the available evidence is currently insufficient to determine the role of this variant in disease. Therefore, it has been classified as a Variant of Uncertain Significance. Advanced modeling of protein sequence and biophysical properties (such as structural, functional, and spatial information, amino acid conservation, physicochemical variation, residue mobility, and thermodynamic stability) performed at Invitae indicates that this missense variant is not expected to disrupt SPINK5 protein function. This variant is not present in population databases (gnomAD no frequency). This sequence change replaces glutamine, which is neutral and polar, with histidine, which is basic and polar, at codon 479 of the SPINK5 protein (p.Gln479His).

NM_006846.4(SPINK5):c.1437A>T (p.Gln479His)

Gene: SPINK5 (serine peptidase inhibitor Kazal type 5; plus strand). Cytogenetic location: 5q32.
Variant type: single nucleotide variant.
Coding change: c.1437A>T on transcript NM_006846.4 (MANE Select); coding-DNA position 1437, A replaced by T.
Protein change: p.Gln479His; replaces glutamine 479 with histidine.
Molecular consequence: missense variant.
Genome position (GRCh38, 1-based): chr5:148,104,958, A>T. VCF-style: chr5-148104958-A-T. GRCh37 (hg19) VCF-style: chr5-147484521-A-T.
Other names: c.1437A>T, p.Gln479His (NM_001127698.2, NM_001127699.2); short protein forms Q479H.
Identifiers: ClinVar variation 2992600 (VCV002992600.3), dbSNP rs2531739960, ClinGen allele CA361637935.